The following is an entry in ClinVar:

NM_015164.4(PLEKHM2):c.2863A>G (p.Thr955Ala)

Gene: PLEKHM2 (pleckstrin homology and RUN domain containing M2; plus strand). Cytogenetic location: 1p36.21.
Variant type: single nucleotide variant.
Coding change: c.2863A>G on transcript NM_015164.4 (MANE Select); coding-DNA position 2863, A replaced by G.
Protein change: p.Thr955Ala; replaces threonine 955 with alanine.
Molecular consequence: missense variant.
Genome position (GRCh38, 1-based): chr1:15,732,669, A>G. VCF-style: chr1-15732669-A-G. GRCh37 (hg19) VCF-style: chr1-16059164-A-G.
Other names: c.2803A>G, p.Thr935Ala (NM_001410755.1); short protein forms T955A, T935A.
Identifiers: ClinVar variation 3724604 (VCV003724604.2).

ClinVar aggregate classification (germline): Uncertain significance (1 of 4 stars; one submission).

Submission:

Labcorp Genetics (formerly Invitae), Labcorp
Classification: Uncertain significance. Last evaluated: 2024-11-04. Review status: criteria provided, single submitter. Criteria: Invitae Variant Classification Sherloc (09022015). Collection method: clinical testing. Allele origin: germline.
Comment: This sequence change replaces threonine, which is neutral and polar, with alanine, which is neutral and non-polar, at codon 955 of the PLEKHM2 protein (p.Thr955Ala). This variant is not present in population databases (gnomAD no frequency). This variant has not been reported in the literature in individuals affected with PLEKHM2-related conditions. An algorithm developed to predict the effect of missense changes on protein structure and function (PolyPhen-2) suggests that this variant is likely to be tolerated. In summary, the available evidence is currently insufficient to determine the role of this variant in disease. Therefore, it has been classified as a Variant of Uncertain Significance.